The following is an entry in ClinVar:

NM_012471.3(TRPC5):c.2674G>A (p.Glu892Lys)

Gene: TRPC5 (transient receptor potential cation channel subfamily C member 5; minus strand). Cytogenetic location: Xq23.
Variant type: single nucleotide variant.
Coding change: c.2674G>A on transcript NM_012471.3 (MANE Select); coding-DNA position 2674, G replaced by A.
Protein change: p.Glu892Lys; replaces glutamic acid 892 with lysine.
Molecular consequence: missense variant.
Genome position (GRCh38, 1-based): chrX:111,776,561, C>T on the plus strand (G>A on the coding strand, the complement: TRPC5 is on the minus strand). VCF-style: chrX-111776561-C-T. GRCh37 (hg19) VCF-style: chrX-111019789-C-T.
Other names: short protein forms E892K.
Identifiers: ClinVar variation 3042876 (VCV003042876.3), dbSNP rs140690062, ClinGen allele CA10494129.
Genomic context (GRCh38, chrX:111,776,561, plus strand): 5'-CGCCCTGGACTTCACCTAATTCTACCTCACTGAGGTTAATTTCACTTTGAGAACAGGCCT[C>T]TGCTTTCCCTTTCTCCATCTGAGAATATCTGATGTCCTGCCACATACAGTGCTGCTGAAC-3'
Protein context (NP_036603.1, residues 882-902): RYSQMEKGKA[Glu892Lys]ACSQSEINLS

ClinVar aggregate classification (germline): Uncertain significance. Review status: criteria provided, single submitter (1 of 4 stars). 2 submissions from 2 submitters: Uncertain significance (1). 1 of the submissions does not count toward it. Last evaluated 2025-08-27.

Conditions:
TRPC5-related disorder. Also called: TRPC5-related condition.

Allele frequency attached by ClinVar (database versions not stated): gnomAD exomes 0.00003; ESP Exome Variant Server 0.00009; ExAC 0.00011; gnomAD 0.00035; TOPMed 0.00035; 1000 Genomes Project 30x 0.00042; 1000 Genomes Project 0.00053.
gnomAD v4.1: 74 of 1,210,333 alleles (0.0061%); highest among the groups gnomAD compares: African/African-American, 0.12%; no homozygotes.

Submissions (2):

Ambry Genetics
Classification: Uncertain significance. Last evaluated: 2025-08-27. Review status: criteria provided, single submitter. Criteria: Ambry Variant Classification Scheme 2023. Collection method: clinical testing. Allele origin: germline.

PreventionGenetics, part of Exact Sciences
Classification: Likely benign for TRPC5-related condition. Last evaluated: 2022-03-30. Review status: no assertion criteria provided. Collection method: clinical testing. Allele origin: germline. Not counted in ClinVar's aggregate classification.
Comment: This variant is classified as likely benign based on ACMG/AMP sequence variant interpretation guidelines (Richards et al. 2015 PMID: 25741868, with internal and published modifications).